The following is an entry in ClinVar:

ClinVar aggregate classification (germline): Benign. Review status: criteria provided, multiple submitters, no conflicts (2 of 4 stars). 2 submissions from 2 submitters: Benign (2). Last evaluated 2026-10-01.

Conditions:
Intellectual developmental disorder, autosomal recessive 60. Also called: MENTAL RETARDATION, AUTOSOMAL RECESSIVE 60; Intellectual disability, autosomal recessive 60. Identifiers: MedGen C4479476, MONDO:0044313, OMIM 617432.

Allele frequency attached by ClinVar (database versions not stated): ESP Exome Variant Server 0.00200; TOPMed 0.00216; gnomAD 0.00220; gnomAD exomes 0.00237; 1000 Genomes Project 30x 0.00328; ExAC 0.00394; 1000 Genomes Project 0.00399.
gnomAD v4.1: 3,919 of 1,614,206 alleles (0.24%); highest among the groups gnomAD compares: Middle Eastern, 1.6%; 26 homozygotes.

Submissions (8):

CeGaT Center for Human Genetics Tuebingen
Classification: Benign. Last evaluated: 2026-10-01. Review status: criteria provided, single submitter. Criteria: CeGaT Center For Human Genetics Tuebingen Variant Classification Criteria Version 2. Collection method: clinical testing. Allele origin: germline. Affected: yes. Observed: 20 variant alleles.
Comment: TAF13: BP4, BS1, BS2

Genome-Nilou Lab
Classification: Benign for Intellectual developmental disorder, autosomal recessive 60. Last evaluated: 2023-04-11. Review status: criteria provided, single submitter. Criteria: ACMG Guidelines, 2015. Collection method: clinical testing. Allele origin: germline. Affected: no.

Dr. Peter K. Rogan Lab, Western University
No classification provided (evidence only). Condition: Ovarian serous cystadenocarcinoma. Review status: no classification provided. Collection method: in vitro. Allele origin: not applicable. Functional consequence: retained intron. Not counted in ClinVar's aggregate classification.

Dr. Peter K. Rogan Lab, Western University
No classification provided (evidence only). Condition: Ovarian serous cystadenocarcinoma. Review status: no classification provided. Collection method: in vitro. Allele origin: not applicable. Functional consequence: retained intron. Not counted in ClinVar's aggregate classification.

Dr. Peter K. Rogan Lab, Western University
No classification provided (evidence only). Condition: Ovarian serous cystadenocarcinoma. Review status: no classification provided. Collection method: in vitro. Allele origin: not applicable. Functional consequence: retained intron. Not counted in ClinVar's aggregate classification.

Dr. Peter K. Rogan Lab, Western University
No classification provided (evidence only). Condition: Clear cell carcinoma of kidney. Review status: no classification provided. Collection method: in vitro. Allele origin: not applicable. Functional consequence: retained intron. Not counted in ClinVar's aggregate classification.

Dr. Peter K. Rogan Lab, Western University
No classification provided (evidence only). Condition: Acute myeloid leukemia. Review status: no classification provided. Collection method: in vitro. Allele origin: not applicable. Functional consequence: retained intron. Not counted in ClinVar's aggregate classification.

Dr. Peter K. Rogan Lab, Western University
No classification provided (evidence only). Condition: Cervical cancer. Review status: no classification provided. Collection method: in vitro. Allele origin: not applicable. Functional consequence: retained intron. Not counted in ClinVar's aggregate classification.

NM_005645.4(TAF13):c.-2G>A

Gene: TAF13 (TATA-box binding protein associated factor 13; minus strand). Cytogenetic location: 1p13.3.
Variant type: single nucleotide variant.
Coding change: c.-2G>A on transcript NM_005645.4 (MANE Select); 2 bases upstream of the start codon, G replaced by A.
Molecular consequence: 5 prime UTR variant.
Genome position (GRCh38, 1-based): chr1:109,075,949, C>T on the plus strand (G>A on the coding strand, the complement: TAF13 is on the minus strand). VCF-style: chr1-109075949-C-T. GRCh37 (hg19) VCF-style: chr1-109618571-C-T.
Other names: NC_000001.10:g.109618571C>T.
Identifiers: ClinVar variation 2585673 (VCV002585673.26), dbSNP rs148869652, ClinGen allele CA984409.